The following is an entry in ClinVar:

ClinVar aggregate classification (germline): Uncertain significance (1 of 4 stars; one submission).

Conditions:
Ciliary dyskinesia, primary, 37 (CILD37). Also called: CILIARY DYSKINESIA, PRIMARY, 37, WITH OR WITHOUT SITUS INVERSUS. Identifiers: MedGen C4539798, MONDO:0033204, OMIM 617577.
Spermatogenic failure 18. Identifiers: MedGen C4539783, MONDO:0054615, OMIM 617576.

gnomAD v4.1: 1 of 1,614,048 alleles (0.000062%); highest among the groups gnomAD compares: Admixed American, 0.0017%; no homozygotes.

Submission:

Juno Genomics, Hangzhou Juno Genomics, Inc
Classification: Uncertain significance for Spermatogenic failure 18; Ciliary dyskinesia, primary, 37. Review status: criteria provided, single submitter. Criteria: ACMG Guidelines, 2015. Collection method: clinical testing. Allele origin: germline.
Comment: Absent from controls (or at extremely low frequency if recessive) in Genome Aggregation Database.;Multiple lines of computational evidence support a deleterious effect on the gene or gene product.

NM_015512.5(DNAH1):c.5881A>G (p.Thr1961Ala)

Gene: DNAH1 (dynein axonemal heavy chain 1; plus strand). Cytogenetic location: 3p21.1.
Variant type: single nucleotide variant.
Coding change: c.5881A>G on transcript NM_015512.5 (MANE Select); coding-DNA position 5881, A replaced by G.
Protein change: p.Thr1961Ala; replaces threonine 1961 with alanine.
Molecular consequence: missense variant.
Genome position (GRCh38, 1-based): chr3:52,368,856, A>G. VCF-style: chr3-52368856-A-G. GRCh37 (hg19) VCF-style: chr3-52402872-A-G.
Other names: short protein forms T1961A.
Identifiers: ClinVar variation 5019499 (VCV005019499.2).
Genomic context (GRCh38, chr3:52,368,856, plus strand): 5'-AACAAGAAGTGGTACATGTTCGATGGGCCGGTGGATGCCATCTGGATTGAGAACATGAAC[A>G]CGGTGCTGGATGACAACAAGAAGCTGTGCCTCAGCTCTGGGGAGATCATCAAGCTCACAG-3'
Protein context (NP_056327.4, residues 1951-1971): VDAIWIENMN[Thr1961Ala]VLDDNKKLCL